The following is an entry in ClinVar:

NM_001080517.3(SETD5):c.3403dup (p.Ser1135fs)

Gene: SETD5 (SET domain containing 5; plus strand). Cytogenetic location: 3p25.3.
Variant type: Duplication.
Coding change: c.3403dup on transcript NM_001080517.3 (MANE Select); coding-DNA position 3403, one base duplicated (T; older notation c.3403dupT).
Protein change: p.Ser1135fs; shifts the reading frame from serine 1135.
Molecular consequence: frameshift variant.
Genome position (GRCh38, 1-based): chr3:9,473,443, T duplicated; the last of 2 consecutive T bases (chr3:9,473,442-9,473,443); duplicating either gives the same sequence. VCF-style (leftmost placement, unchanged base first): chr3-9473441-A-AT. GRCh37 (hg19) VCF-style: chr3-9515125-A-AT.
Other names: c.3403dupT (NM_001080517.3); c.3109dup, p.Ser1037fs (NM_001292043.2, NM_001349451.2); c.3499dup, p.Ser1167fs (NM_001437633.1); c.3517dup, p.Ser1173fs (NM_001437635.1); c.3460dup, p.Ser1154fs (NM_001437643.1); c.3442dup, p.Ser1148fs (NM_001437701.1); short protein forms S1037fs, S1135fs, S1148fs, S1154fs, S1167fs, S1173fs.
Identifiers: ClinVar variation 4077420 (VCV004077420.1).

ClinVar aggregate classification (germline): Pathogenic (1 of 4 stars; one submission).

Conditions:
Intellectual disability-facial dysmorphism syndrome due to SETD5 haploinsufficiency (MRD23). Also called: Intellectual developmental disorder, autosomal dominant 23. Identifiers: Orphanet 404440, MedGen C3810406, MONDO:0014336, OMIM 615761.

Submission:

Centre for Human Genetics, University of Kinshasa
Classification: Pathogenic for Intellectual disability-facial dysmorphism syndrome due to SETD5 haploinsufficiency. Review status: criteria provided, single submitter. Criteria: ACMG Guidelines, 2015. Collection method: research. Allele origin: de novo. Inheritance: Autosomal dominant inheritance. Affected: yes.
Comment: This variants is in SETD5 and associated IDD, AD 23. The variant occurred de novo, with confirmed parentage. This single base duplication is predicted to cause a frameshift and insert a premature stop codon in a gene in which LoF is a known mechanism of pathogenicity for the condition. The variant is absent from gnomAD and ClinVar. We classified this variant as Pathogenic based on the following items PM2, PVS1, PS2. The posterior probability score of pathogenicity of 1.00

Literature cited by the submitters: PubMed 29300386.